The following is an entry in ClinVar:

NM_003873.7(NRP1):c.2017T>G (p.Trp673Gly)

Gene: NRP1 (neuropilin 1; minus strand). Cytogenetic location: 10p11.22.
Variant type: single nucleotide variant.
Coding change: c.2017T>G on transcript NM_003873.7 (MANE Select); coding-DNA position 2017, T replaced by G.
Protein change: p.Trp673Gly; replaces tryptophan 673 with glycine.
Molecular consequence: missense variant. On other transcripts: non-coding transcript variant (1).
Genome position (GRCh38, 1-based): chr10:33,192,326, A>C on the plus strand (T>G on the coding strand, the complement: NRP1 is on the minus strand). VCF-style: chr10-33192326-A-C. GRCh37 (hg19) VCF-style: chr10-33481254-A-C.
Other names: c.1996T>G, p.Trp666Gly (NM_001244972.2, NM_001244973.2); c.2017T>G, p.Trp673Gly (NM_001330068.2); short protein forms W666G, W673G.
Identifiers: ClinVar variation 3349949 (VCV003349949.1).
Genomic context (GRCh38, chr10:33,192,326, plus strand): 5'-TGAACTCTGTGATACCTGTGTGATCCTGAATGGGTCCCGTCTTGCTGGTCAACACACTCC[A>C]CTTGAGCTGCACGTGATTGTCATGTTCCCAGTGGCAGAAGGTCTTGTGAGAGCCCCAGCC-3'
Protein context (NP_003864.5, residues 663-683): WEHDNHVQLK[Trp673Gly]SVLTSKTGPI

ClinVar aggregate classification (germline): Uncertain significance (0 of 4 stars; one submission).

Conditions:
NRP1-related disorder. Also called: NRP1-related condition.

Submission:

PreventionGenetics, part of Exact Sciences
Classification: Uncertain significance for NRP1-related condition. Last evaluated: 2023-12-18. Review status: no assertion criteria provided. Collection method: clinical testing. Allele origin: germline.
Comment: The NRP1 c.2017T>G variant is predicted to result in the amino acid substitution p.Trp673Gly. To our knowledge, this variant has not been reported in the literature or in a large population database, indicating this variant is rare. At this time, the clinical significance of this variant is uncertain due to the absence of conclusive functional and genetic evidence.